The following is an entry in ClinVar:

NM_022051.3(EGLN1):c.770C>G (p.Thr257Ser)

Gene: EGLN1 (egl-9 family hypoxia inducible factor 1; minus strand). Cytogenetic location: 1q42.2.
Variant type: single nucleotide variant.
Coding change: c.770C>G on transcript NM_022051.3 (MANE Select); coding-DNA position 770, C replaced by G.
Protein change: p.Thr257Ser; replaces threonine 257 with serine.
Molecular consequence: missense variant.
Genome position (GRCh38, 1-based): chr1:231,421,119, G>C on the plus strand (C>G on the coding strand, the complement: EGLN1 is on the minus strand). VCF-style: chr1-231421119-G-C. GRCh37 (hg19) VCF-style: chr1-231556865-G-C.
Other names: c.770C>G, p.Thr257Ser (NM_001377260.1, NM_001377261.1); short protein forms T257S.
Identifiers: ClinVar variation 2497587 (VCV002497587.2), dbSNP rs911032039, ClinGen allele CA345235363.
Genomic context (GRCh38, chr1:231,421,119, plus strand): 5'-TCCATGCTGCTCATGAGCAGCCCAATGGTTTCGCAGCCGGGCTCCTTGCCCTCGATCCAG[G>C]TGATCTTATCGCCTCGGATGTCCTTGGACGAGTCACTCTTCTGGCTGACCAGCTGCCCGT-3'
Protein context (NP_071334.1, residues 247-267): SSKDIRGDKI[Thr257Ser]WIEGKEPGCE

ClinVar aggregate classification (germline): Uncertain significance (1 of 4 stars; one submission).

Submission:

Ambry Genetics
Classification: Uncertain significance. Last evaluated: 2022-12-21. Review status: criteria provided, single submitter. Criteria: Ambry Variant Classification Scheme 2023. Collection method: clinical testing. Allele origin: germline.
Comment: The p.T257S variant (also known as c.770C>G), located in coding exon 1 of the EGLN1 gene, results from a C to G substitution at nucleotide position 770. The threonine at codon 257 is replaced by serine, an amino acid with similar properties. This amino acid position is conserved. In addition, the in silico prediction for this alteration is inconclusive. Since supporting evidence is limited at this time, the clinical significance of this alteration remains unclear.